The following is an entry in ClinVar:

NM_000169.3(GLA):c.1055C>A (p.Ala352Asp)

Genes: GLA (galactosidase alpha; minus strand), RPL36A-HNRNPH2 (RPL36A-HNRNPH2 readthrough; plus strand). Cytogenetic location: Xq22.1.
Variant type: single nucleotide variant.
Coding change: c.1055C>A on transcript NM_000169.3 (MANE Select); coding-DNA position 1055, C replaced by A.
Protein change: p.Ala352Asp; replaces alanine 352 with aspartic acid.
Molecular consequence: missense variant. On other transcripts: non-coding transcript variant (3), intron variant (2).
Genome position (GRCh38, 1-based): chrX:101,398,044, G>T on the plus strand (C>A on the coding strand, the complement: GLA is on the minus strand). VCF-style: chrX-101398044-G-T. GRCh37 (hg19) VCF-style: chrX-100653032-G-T.
Other names: c.1178C>A, p.Ala393Asp (NM_001406747.1); c.300+2587G>T (NM_001199973.2); c.177+6222G>T (NM_001199974.2); short protein forms A352D, A393D.
Identifiers: ClinVar variation 4087626 (VCV004087626.2).

ClinVar aggregate classification (germline): Pathogenic (1 of 4 stars; one submission).

Conditions:
Fabry disease. Also called: ALPHA-GALACTOSIDASE A DEFICIENCY; ANDERSON-FABRY DISEASE; CERAMIDE TRIHEXOSIDASE DEFICIENCY; GLA DEFICIENCY; HEREDITARY DYSTOPIC LIPIDOSIS; Angiokeratoma corporis diffusum. Identifiers: Orphanet 324, MedGen C0002986, MONDO:0010526, OMIM 301500, HP:0001071. Disease mechanism: Fabry disease is due to inactivating mutations in the X-linked GLA gene resulting in deficiency of the enzyme Alpha Galactosidase-A., loss of function.

Submission:

Genomenon, Inc
Classification: Pathogenic for Fabry disease. Last evaluated: 2026-09-08. Review status: criteria provided, single submitter. Criteria: Genomenon Sequence Variant Interpretation Standards - Updated. Collection method: curation. Allele origin: germline. Affected: yes.
Comment: GLA p.Ala352Asp (c.1055C>A) is a missense variant that changes the amino acid at codon 352 from Alanine to Aspartic acid. This variant has been observed in at least one proband with clinical features consistent with Fabry disease (PMID:12920095;38234860). A de novo occurrence of this variant has been observed in at least one affected individual (PMID:12920095). At least one functional study has demonstrated a substantial alteration in protein function relative to the wild-type (PMID:27657681). It is absent or not present at a significant frequency in gnomAD. In silico models predict that this variant is possibly or probably damaging. In conclusion, we classify GLA p.Ala352Asp (c.1055C>A) as a pathogenic variant.

Literature cited by the submitters: PubMed 12920095; PubMed 38234860; PubMed 27657681.